The following is an entry in ClinVar:

NC_000009.11:g.(?_101900318)_(101903694_?)del

Gene: TGFBR1 (transforming growth factor beta receptor 1; plus strand). Cytogenetic location: 9q22.33.
Variant type: Deletion.
Identifiers: ClinVar variation 999788 (VCV000999788.9).

ClinVar aggregate classification (germline): Uncertain significance (1 of 4 stars; one submission).

Conditions:
Familial thoracic aortic aneurysm and aortic dissection (TAAD). Also called: Thoracic aortic aneurysms and dissections. Identifiers: Orphanet 91387, MedGen C4707243, MONDO:0019625.

Submission:

Labcorp Genetics (formerly Invitae), Labcorp
Classification: Uncertain significance for Familial thoracic aortic aneurysm and aortic dissection. Last evaluated: 2017-04-14. Review status: criteria provided, single submitter. Criteria: Invitae Variant Classification Sherloc (09022015). Collection method: clinical testing. Allele origin: germline.
Comment: In summary, this variant is a novel partial exon 4 and intron 4 deletion. The impact of this deletion on TGFBR1 protein function has not been established. Therefore, it has been classified as a Variant of Uncertain Significance. Experimental studies and prediction algorithms are not available for this variant, and the functional significance of the deleted amino acids is currently unknown. This variant has not been reported in the literature in an individual with a TGFBR1-related disease. This variant is an in-frame deletion of the genomic region encompassing the last 19 amino acids of exon 4 and most of intron 4 of the TGFBR1 gene. It preserves the integrity of the reading frame.